The following is an entry in ClinVar:

NM_001174096.2(ZEB1):c.1570G>A (p.Glu524Lys)

Gene: ZEB1 (zinc finger E-box binding homeobox 1; plus strand). Cytogenetic location: 10p11.22.
Variant type: single nucleotide variant.
Coding change: c.1570G>A on transcript NM_001174096.2 (MANE Select); coding-DNA position 1570, G replaced by A.
Protein change: p.Glu524Lys; replaces glutamic acid 524 with lysine.
Molecular consequence: missense variant.
Genome position (GRCh38, 1-based): chr10:31,520,902, G>A. VCF-style: chr10-31520902-G-A. GRCh37 (hg19) VCF-style: chr10-31809830-G-A.
Other names: c.1519G>A, p.Glu507Lys (NM_001128128.3); c.1507G>A, p.Glu503Lys (NM_001174093.2); c.1516G>A, p.Glu506Lys (NM_001174094.2); c.1366G>A, p.Glu456Lys (NM_001174095.2); c.913G>A, p.Glu305Lys (NM_001323638.2, NM_001323641.2, NM_001323642.2 and 27 more transcripts); c.1525G>A, p.Glu509Lys (NM_001323677.2); c.1294G>A, p.Glu432Lys (NM_001323678.2); c.1567G>A, p.Glu523Lys (NM_030751.6); and 3 more; short protein forms E435K, E503K, E507K, E305K, E456K, E510K, E506K, E523K.
Identifiers: ClinVar variation 2781746 (VCV002781746.3), dbSNP rs1472522029, ClinGen allele CA376448098.

ClinVar aggregate classification (germline): Uncertain significance (1 of 4 stars; one submission).

Allele frequency attached by ClinVar (database versions not stated): gnomAD exomes 0.00001.
gnomAD v4.1: 5 of 1,614,108 alleles (0.00031%); highest among the groups gnomAD compares: Non-Finnish European, 0.00042%; no homozygotes.

Submission:

Labcorp Genetics (formerly Invitae), Labcorp
Classification: Uncertain significance. Last evaluated: 2023-04-26. Review status: criteria provided, single submitter. Criteria: Invitae Variant Classification Sherloc (09022015). Collection method: clinical testing. Allele origin: germline.
Comment: In summary, the available evidence is currently insufficient to determine the role of this variant in disease. Therefore, it has been classified as a Variant of Uncertain Significance. Advanced modeling of protein sequence and biophysical properties (such as structural, functional, and spatial information, amino acid conservation, physicochemical variation, residue mobility, and thermodynamic stability) performed at Invitae indicates that this missense variant is not expected to disrupt ZEB1 protein function. This variant has not been reported in the literature in individuals affected with ZEB1-related conditions. This variant is not present in population databases (gnomAD no frequency). This sequence change replaces glutamic acid, which is acidic and polar, with lysine, which is basic and polar, at codon 523 of the ZEB1 protein (p.Glu523Lys).